The following is an entry in ClinVar:

NM_001319074.4(RAX2):c.-115C>A

Gene: RAX2 (retina and anterior neural fold homeobox 2; minus strand). Cytogenetic location: 19p13.3.
Variant type: single nucleotide variant.
Coding change: c.-115C>A on transcript NM_001319074.4 (MANE Select); 115 bases upstream of the start codon, C replaced by A.
Molecular consequence: 5 prime UTR variant. On other transcripts: intron variant (1).
Genome position (GRCh38, 1-based): chr19:3,771,857, G>T on the plus strand (C>A on the coding strand, the complement: RAX2 is on the minus strand). VCF-style: chr19-3771857-G-T. GRCh37 (hg19) VCF-style: chr19-3771855-G-T.
Other names: c.-9-106C>A (NM_032753.4); c.24C>A (NM_001319074.1).
Identifiers: ClinVar variation 4939928 (VCV004939928.2).
Genomic context (GRCh38, chr19:3,771,857, plus strand): 5'-GGCTACCGGCAGGGACAGGGCAGGGGAGCCCCAGGCTTGCCTCCCGGCTCCGGGGAAATC[G>T]GTTCCCTCCACTGGGGCCGGCATGCGCTCTGCATCCCCAGGCTGTCCTCCTCGGGCTTGG-3'

ClinVar aggregate classification (germline): Likely benign. Review status: criteria provided, multiple submitters, no conflicts (2 of 4 stars). 2 submissions from 2 submitters: Likely benign (2). Last evaluated 2026-05-31.

Conditions:
RAX2-related disorder. Also called: RAX2-related condition; RAX2-related disorders.

gnomAD v4.1: 20 of 1,457,332 alleles (0.0014%); highest among the groups gnomAD compares: Non-Finnish European, 0.0018%; no homozygotes.

Submissions (2):

PreventionGenetics, part of Exact Sciences
Classification: Likely benign for RAX2-related condition. Last evaluated: 2026-05-31. Review status: criteria provided, single submitter. Criteria: ACMG Guidelines, 2015. Collection method: clinical testing. Allele origin: germline.
Comment: This variant is classified as likely benign based on ACMG/AMP sequence variant interpretation guidelines (Richards et al. 2015 PMID: 25741868, with internal and published modifications).

Blueprint Genetics
Classification: Likely benign. Last evaluated: 2024-09-06. Review status: criteria provided, single submitter. Criteria: ACMG Guidelines, 2015. Collection method: clinical testing. Allele origin: germline.